The following is an entry in ClinVar:

NM_001365536.1(SCN9A):c.4595T>C (p.Met1532Thr)

Genes: SCN1A-AS1 (SCN1A and SCN9A antisense RNA 1; plus strand), SCN9A (sodium voltage-gated channel alpha subunit 9; minus strand). Cytogenetic location: 2q24.3.
Variant type: single nucleotide variant.
Coding change: c.4595T>C on transcript NM_001365536.1 (MANE Select); coding-DNA position 4595, T replaced by C.
Protein change: p.Met1532Thr; replaces methionine 1532 with threonine.
Molecular consequence: missense variant.
Genome position (GRCh38, 1-based): chr2:166,204,134, A>G on the plus strand (T>C on the coding strand, the complement: SCN9A is on the minus strand). VCF-style: chr2-166204134-A-G. GRCh37 (hg19) VCF-style: chr2-167060644-A-G.
Other names: c.4562T>C, p.Met1521Thr (NM_002977.4); short protein forms M1521T, M1532T.
Identifiers: ClinVar variation 845757 (VCV000845757.10), dbSNP rs1266662220, ClinGen allele CA349057766.

ClinVar aggregate classification (germline): Uncertain significance (1 of 4 stars; one submission).

Conditions:
Neuropathy, hereditary sensory and autonomic, type 2A (HSAN2A). Also called: HSAN IIA; ACROOSTEOLYSIS, GIACCAI TYPE; ACROOSTEOLYSIS, NEUROGENIC; MORVAN DISEASE; NEUROPATHY, CONGENITAL SENSORY; NEUROPATHY, HEREDITARY SENSORY RADICULAR, AUTOSOMAL RECESSIVE. Identifiers: Orphanet 970, MedGen C2752089, MONDO:0024309, OMIM 201300.
Generalized epilepsy with febrile seizures plus, type 7 (GEFSP7). Also called: GEFS+, TYPE 7. Identifiers: Orphanet 36387, MedGen C2751778, MONDO:0013470, OMIM 613863.

Submission:

Labcorp Genetics (formerly Invitae), Labcorp
Classification: Uncertain significance for Neuropathy, hereditary sensory and autonomic, type 2A; Generalized epilepsy with febrile seizures plus, type 7. Last evaluated: 2019-12-11. Review status: criteria provided, single submitter. Criteria: Invitae Variant Classification Sherloc (09022015). Collection method: clinical testing. Allele origin: germline.
Comment: In summary, the available evidence is currently insufficient to determine the role of this variant in disease. Therefore, it has been classified as a Variant of Uncertain Significance. Algorithms developed to predict the effect of missense changes on protein structure and function (SIFT, PolyPhen-2, Align-GVGD) all suggest that this variant is likely to be disruptive, but these predictions have not been confirmed by published functional studies and their clinical significance is uncertain. This variant has not been reported in the literature in individuals with SCN9A-related conditions. This variant is not present in population databases (ExAC no frequency). This sequence change replaces methionine with threonine at codon 1521 of the SCN9A protein (p.Met1521Thr). The methionine residue is highly conserved and there is a moderate physicochemical difference between methionine and threonine.